The following is an entry in ClinVar:

NM_004415.4(DSP):c.6148G>C (p.Glu2050Gln)

Gene: DSP (desmoplakin; plus strand). Cytogenetic location: 6p24.3.
Variant type: single nucleotide variant.
Coding change: c.6148G>C on transcript NM_004415.4 (MANE Select); coding-DNA position 6148, G replaced by C.
Protein change: p.Glu2050Gln; replaces glutamic acid 2050 with glutamine.
Molecular consequence: missense variant.
Genome position (GRCh38, 1-based): chr6:7,583,410, G>C. VCF-style: chr6-7583410-G-C. GRCh37 (hg19) VCF-style: chr6-7583643-G-C.
Other names: c.4351G>C, p.Glu1451Gln (NM_001008844.3); c.4819G>C, p.Glu1607Gln (NM_001319034.2); short protein forms E1451Q, E1607Q, E2050Q.
Identifiers: ClinVar variation 1751862 (VCV001751862.2), dbSNP rs2533939534, ClinGen allele CA362690181.

ClinVar aggregate classification (germline): Uncertain significance (1 of 4 stars; one submission).

Conditions:
Cardiovascular phenotype. Identifiers: MedGen CN230736.

Submission:

Ambry Genetics
Classification: Uncertain significance for Cardiovascular phenotype. Last evaluated: 2020-03-16. Review status: criteria provided, single submitter. Criteria: Ambry Variant Classification Scheme 2023. Collection method: clinical testing. Allele origin: germline.
Comment: The p.E2050Q variant (also known as c.6148G>C), located in coding exon 24 of the DSP gene, results from a G to C substitution at nucleotide position 6148. The glutamic acid at codon 2050 is replaced by glutamine, an amino acid with highly similar properties. This amino acid position is highly conserved in available vertebrate species. In addition, the in silico prediction for this alteration is inconclusive. Since supporting evidence is limited at this time, the clinical significance of this alteration remains unclear.